The following is an entry in ClinVar:

ClinVar aggregate classification (germline): Uncertain significance (1 of 4 stars; one submission).

Conditions:
Hereditary cancer-predisposing syndrome. Also called: Tumor predisposition; Hereditary neoplastic syndrome; Hereditary Cancer Syndrome; Neoplastic Syndromes, Hereditary. Identifiers: Orphanet 140162, MedGen C0027672, MeSH D009386, MONDO:0015356.

Submission:

Ambry Genetics
Classification: Uncertain significance for Hereditary cancer-predisposing syndrome. Last evaluated: 2025-06-07. Review status: criteria provided, single submitter. Criteria: Ambry Variant Classification Scheme 2023. Collection method: clinical testing. Allele origin: germline.
Comment: The p.L213V variant (also known as c.637C>G), located in coding exon 5 of the RAD50 gene, results from a C to G substitution at nucleotide position 637. The leucine at codon 213 is replaced by valine, an amino acid with highly similar properties. This amino acid position is conserved. In addition, this alteration is predicted to be tolerated by in silico analysis. Based on the available evidence, the clinical significance of this variant remains unclear.

NM_005732.4(RAD50):c.637C>G (p.Leu213Val)

Gene: RAD50 (RAD50 double strand break repair protein; plus strand). Cytogenetic location: 5q31.1.
Variant type: single nucleotide variant.
Coding change: c.637C>G on transcript NM_005732.4 (MANE Select); coding-DNA position 637, C replaced by G.
Protein change: p.Leu213Val; replaces leucine 213 with valine.
Molecular consequence: missense variant.
Genome position (GRCh38, 1-based): chr5:132,579,947, C>G. VCF-style: chr5-132579947-C-G. GRCh37 (hg19) VCF-style: chr5-131915639-C-G.
Other names: short protein forms L213V.
Identifiers: ClinVar variation 3942212 (VCV003942212.1).
Genomic context (GRCh38, chr5:132,579,947, plus strand): 5'-CGGCAGGTACGTCAGACACAAGGTCAGAAAGTAAAAGAATATCAAATGGAACTAAAATAT[C>G]TGAAGCAATATAAGGAAAAAGCTTGTGAGATTCGTGATCAGATTACAAGTAAGGAAGCCC-3'
Protein context (NP_005723.2, residues 203-223): VKEYQMELKY[Leu213Val]KQYKEKACEI